The following is an entry in ClinVar:

ClinVar aggregate classification (germline): Uncertain significance (1 of 4 stars; one submission).

Conditions:
Inborn genetic diseases. Identifiers: MedGen C0950123, MeSH D030342.

Submission:

Ambry Genetics
Classification: Uncertain significance for Inborn genetic diseases. Last evaluated: 2025-04-24. Review status: criteria provided, single submitter. Criteria: Ambry Variant Classification Scheme 2023. Collection method: clinical testing. Allele origin: germline.
Comment: The p.G1197D variant (also known as c.3590G>A), located in coding exon 33 of the RTEL1 gene, results from a G to A substitution at nucleotide position 3590. The glycine at codon 1197 is replaced by aspartic acid, an amino acid with similar properties. This amino acid position is conserved. In addition, this alteration is predicted to be tolerated by in silico analysis. Based on the available evidence, the clinical significance of this variant remains unclear.

NM_001283009.2(RTEL1):c.3590G>A (p.Gly1197Asp)

Genes: RTEL1 (regulator of telomere elongation helicase 1; plus strand), RTEL1-TNFRSF6B (RTEL1-TNFRSF6B readthrough (NMD candidate); plus strand). Cytogenetic location: 20q13.33.
Variant type: single nucleotide variant.
Coding change: c.3590G>A on transcript NM_001283009.2 (MANE Select); coding-DNA position 3590, G replaced by A.
Protein change: p.Gly1197Asp; replaces glycine 1197 with aspartic acid.
Molecular consequence: missense variant. On other transcripts: non-coding transcript variant (1).
Genome position (GRCh38, 1-based): chr20:63,695,418, G>A. VCF-style: chr20-63695418-G-A. GRCh37 (hg19) VCF-style: chr20-62326771-G-A.
Other names: c.2921G>A, p.Gly974Asp (NM_001283010.1); c.3590G>A, p.Gly1197Asp (NM_016434.4); c.3662G>A, p.Gly1221Asp (NM_032957.5); short protein forms G1197D, G1221D, G974D.
Identifiers: ClinVar variation 3948353 (VCV003948353.1).